The following is an entry in ClinVar:

ClinVar aggregate classification (germline): Likely benign. Review status: criteria provided, multiple submitters, no conflicts (2 of 4 stars). 2 submissions from 2 submitters: Likely benign (2). Last evaluated 2023-10-01.

Conditions:
Infantile neuroaxonal dystrophy (NBIA2A). Also called: SEITELBERGER DISEASE; Infantile neuroaxonal dystrophy 1; NEURODEGENERATION WITH BRAIN IRON ACCUMULATION 2A. Identifiers: Orphanet 35069, MedGen C0270724, MONDO:0024457, OMIM 256600.

Allele frequency attached by ClinVar (database versions not stated): ExAC 0.00003.
gnomAD v4.1: 12 of 1,613,350 alleles (0.00074%); highest among the groups gnomAD compares: South Asian, 0.011%; no homozygotes.

Submissions (2):

CeGaT Center for Human Genetics Tuebingen
Classification: Likely benign. Last evaluated: 2023-10-01. Review status: criteria provided, single submitter. Criteria: CeGaT Center For Human Genetics Tuebingen Variant Classification Criteria Version 2. Collection method: clinical testing. Allele origin: germline. Affected: yes. Observed: 1 variant allele.
Comment: PLA2G6: BP4, BP7

Labcorp Genetics (formerly Invitae), Labcorp
Classification: Likely benign for Infantile neuroaxonal dystrophy. Last evaluated: 2022-09-16. Review status: criteria provided, single submitter. Criteria: Invitae Variant Classification Sherloc (09022015). Collection method: clinical testing. Allele origin: germline.

NM_003560.4(PLA2G6):c.348C>T (p.Asn116=)

Gene: PLA2G6 (phospholipase A2 group VI; minus strand). Cytogenetic location: 22q13.1.
Variant type: single nucleotide variant.
Coding change: c.348C>T on transcript NM_003560.4 (MANE Select); coding-DNA position 348, C replaced by T.
Protein change: p.Asn116=; no amino-acid change (asparagine 116 retained).
Molecular consequence: synonymous variant. On other transcripts: 5 prime UTR variant (3).
Genome position (GRCh38, 1-based): chr22:38,145,515, G>A on the plus strand (C>T on the coding strand, the complement: PLA2G6 is on the minus strand). VCF-style: chr22-38145515-G-A. GRCh37 (hg19) VCF-style: chr22-38541522-G-A.
Other names: c.348C>T, p.Asn116= (NM_001004426.3, NM_001199562.3, NM_001349864.2 and 2 more transcripts); c.-187C>T (NM_001349867.2, NM_001349869.2); c.-143C>T (NM_001349868.2).
Identifiers: ClinVar variation 2160211 (VCV002160211.28), dbSNP rs766489645, ClinGen allele CA10231290.